The following is an entry in ClinVar:

ClinVar aggregate classification (germline): Uncertain significance (1 of 4 stars; one submission).

Submission:

Labcorp Genetics (formerly Invitae), Labcorp
Classification: Uncertain significance. Last evaluated: 2022-04-01. Review status: criteria provided, single submitter. Criteria: Invitae Variant Classification Sherloc (09022015). Collection method: clinical testing. Allele origin: germline.
Comment: This variant is not present in population databases (gnomAD no frequency). In summary, the available evidence is currently insufficient to determine the role of this variant in disease. Therefore, it has been classified as a Variant of Uncertain Significance. Advanced modeling of protein sequence and biophysical properties (such as structural, functional, and spatial information, amino acid conservation, physicochemical variation, residue mobility, and thermodynamic stability) performed at Invitae indicates that this missense variant is expected to disrupt MTOR protein function. ClinVar contains an entry for this variant (Variation ID: 936210). This variant has not been reported in the literature in individuals affected with MTOR-related conditions. This sequence change replaces glutamic acid, which is acidic and polar, with glycine, which is neutral and non-polar, at codon 751 of the MTOR protein (p.Glu751Gly).

NM_004958.4(MTOR):c.2252A>G (p.Glu751Gly)

Gene: MTOR (mechanistic target of rapamycin kinase; minus strand). Cytogenetic location: 1p36.22.
Variant type: single nucleotide variant.
Coding change: c.2252A>G on transcript NM_004958.4 (MANE Select); coding-DNA position 2252, A replaced by G.
Protein change: p.Glu751Gly; replaces glutamic acid 751 with glycine.
Molecular consequence: missense variant.
Genome position (GRCh38, 1-based): chr1:11,234,222, T>C on the plus strand (A>G on the coding strand, the complement: MTOR is on the minus strand). VCF-style: chr1-11234222-T-C. GRCh37 (hg19) VCF-style: chr1-11294279-T-C.
Other names: short protein forms E751G.
Identifiers: ClinVar variation 936210 (VCV000936210.9), dbSNP rs1647118818, ClinGen allele CA338384884.